The following is an entry in ClinVar:

NM_021830.5(TWNK):c.1285G>T (p.Ala429Ser)

Gene: TWNK (twinkle mtDNA helicase; plus strand). Cytogenetic location: 10q24.31.
Variant type: single nucleotide variant.
Coding change: c.1285G>T on transcript NM_021830.5 (MANE Select); coding-DNA position 1285, G replaced by T.
Protein change: p.Ala429Ser; replaces alanine 429 with serine.
Molecular consequence: missense variant. On other transcripts: 5 prime UTR variant (2), non-coding transcript variant (2), intron variant (1).
Genome position (GRCh38, 1-based): chr10:100,989,685, G>T. VCF-style: chr10-100989685-G-T. GRCh37 (hg19) VCF-style: chr10-102749442-G-T.
Other names: p.Ala429Ser; c.1285G>T, p.Ala429Ser (NM_001163812.2); c.-78G>T (NM_001163813.2, NM_001163814.2); c.-57-21G>T (NM_001368275.1); short protein forms A429S.
Identifiers: ClinVar variation 2683122 (VCV002683122.1), dbSNP rs2493636127, ClinGen allele CA378210402.

ClinVar aggregate classification (germline): Uncertain significance (1 of 4 stars; one submission).

Allele frequency attached by ClinVar (database versions not stated): gnomAD exomes below 0.00001.
gnomAD v4.1: 1 of 1,614,194 alleles (0.000062%); highest among the groups gnomAD compares: Non-Finnish European, 0.000085%; no homozygotes.

Submission:

Mayo Clinic Laboratories, Mayo Clinic
Classification: Uncertain significance. Last evaluated: 2022-06-23. Review status: criteria provided, single submitter. Criteria: ACMG Guidelines, 2015. Collection method: clinical testing. Allele origin: germline. Observed: 1 variant allele.
Comment: PM2